The following is an entry in ClinVar:

ClinVar aggregate classification (germline): Uncertain significance (1 of 4 stars; one submission).

Conditions:
Progressive myoclonic epilepsy type 9. Identifiers: Orphanet 457265, MedGen C4225289, MONDO:0014685, OMIM 616540.
Lipodystrophy, partial, acquired, susceptibility to (APLD). Also called: APLD, SUSCEPTIBILITY TO. Identifiers: MedGen C3887501, MONDO:0100476, OMIM 608709.

Submission:

Labcorp Genetics (formerly Invitae), Labcorp
Classification: Uncertain significance for Progressive myoclonic epilepsy type 9; Lipodystrophy, partial, acquired, susceptibility to. Last evaluated: 2023-11-27. Review status: criteria provided, single submitter. Criteria: Invitae Variant Classification Sherloc (09022015). Collection method: clinical testing. Allele origin: germline.
Comment: This sequence change replaces threonine, which is neutral and polar, with isoleucine, which is neutral and non-polar, at codon 612 of the LMNB2 protein (p.Thr612Ile). This variant is not present in population databases (gnomAD no frequency). This variant has not been reported in the literature in individuals affected with LMNB2-related conditions. An algorithm developed to predict the effect of missense changes on protein structure and function (PolyPhen-2) suggests that this variant is likely to be disruptive. In summary, the available evidence is currently insufficient to determine the role of this variant in disease. Therefore, it has been classified as a Variant of Uncertain Significance.

NM_032737.4(LMNB2):c.1835C>T (p.Thr612Ile)

Gene: LMNB2 (lamin B2; minus strand). Cytogenetic location: 19p13.3.
Variant type: single nucleotide variant.
Coding change: c.1835C>T on transcript NM_032737.4 (MANE Select); coding-DNA position 1835, C replaced by T.
Protein change: p.Thr612Ile; replaces threonine 612 with isoleucine.
Molecular consequence: missense variant.
Genome position (GRCh38, 1-based): chr19:2,430,939, G>A on the plus strand (C>T on the coding strand, the complement: LMNB2 is on the minus strand). VCF-style: chr19-2430939-G-A. GRCh37 (hg19) VCF-style: chr19-2430937-G-A.
Other names: short protein forms T612I.
Identifiers: ClinVar variation 2948361 (VCV002948361.3), dbSNP rs1264803988, ClinGen allele CA403248792.